The following is an entry in ClinVar:

NM_001173467.3(SP7):c.1214C>T (p.Thr405Met)

Gene: SP7 (Sp7 transcription factor; minus strand). Cytogenetic location: 12q13.13.
Variant type: single nucleotide variant.
Coding change: c.1214C>T on transcript NM_001173467.3 (MANE Select); coding-DNA position 1214, C replaced by T.
Protein change: p.Thr405Met; replaces threonine 405 with methionine.
Molecular consequence: missense variant.
Genome position (GRCh38, 1-based): chr12:53,328,228, G>A on the plus strand (C>T on the coding strand, the complement: SP7 is on the minus strand). VCF-style: chr12-53328228-G-A. GRCh37 (hg19) VCF-style: chr12-53722012-G-A.
Other names: c.1160C>T, p.Thr387Met (NM_001300837.2); c.1214C>T, p.Thr405Met (NM_152860.2); c.1214C>T (NM_001173467.1); short protein forms T405M, T387M.
Identifiers: ClinVar variation 1463854 (VCV001463854.6), dbSNP rs549948087, ClinGen allele CA6599432.

ClinVar aggregate classification (germline): Uncertain significance. Review status: criteria provided, multiple submitters, no conflicts (2 of 4 stars). 2 submissions from 2 submitters: Uncertain significance (2). Last evaluated 2025-03-07.

Allele frequency attached by ClinVar (database versions not stated): 1000 Genomes Project 30x 0.00016; 1000 Genomes Project 0.00020.
gnomAD v4.1: 59 of 1,613,132 alleles (0.0037%); highest among the groups gnomAD compares: South Asian, 0.026%; no homozygotes.

Submissions (2):

Ambry Genetics
Classification: Uncertain significance. Last evaluated: 2025-03-07. Review status: criteria provided, single submitter. Criteria: Ambry Variant Classification Scheme 2023. Collection method: clinical testing. Allele origin: germline.

Labcorp Genetics (formerly Invitae), Labcorp
Classification: Uncertain significance. Last evaluated: 2022-08-19. Review status: criteria provided, single submitter. Criteria: Invitae Variant Classification Sherloc (09022015). Collection method: clinical testing. Allele origin: germline.
Comment: This sequence change replaces threonine, which is neutral and polar, with methionine, which is neutral and non-polar, at codon 405 of the SP7 protein (p.Thr405Met). The frequency data for this variant in the population databases is considered unreliable, as metrics indicate poor data quality at this position in the gnomAD database. This variant has not been reported in the literature in individuals affected with SP7-related conditions. ClinVar contains an entry for this variant (Variation ID: 1463854). Algorithms developed to predict the effect of missense changes on protein structure and function (SIFT, PolyPhen-2, Align-GVGD) all suggest that this variant is likely to be tolerated. In summary, the available evidence is currently insufficient to determine the role of this variant in disease. Therefore, it has been classified as a Variant of Uncertain Significance.